The following is an entry in ClinVar:

ClinVar aggregate classification (germline): Uncertain significance. Review status: criteria provided, multiple submitters, no conflicts (2 of 4 stars). 2 submissions from 2 submitters: Uncertain significance (2). Last evaluated 2026-04-27.

Conditions:
Hereditary cancer-predisposing syndrome. Also called: Hereditary neoplastic syndrome; Neoplastic Syndromes, Hereditary; Tumor predisposition; Hereditary Cancer Syndrome. Identifiers: Orphanet 140162, MedGen C0027672, MeSH D009386, MONDO:0015356.

Allele frequency attached by ClinVar (database versions not stated): gnomAD 0.00001; TOPMed below 0.00001.
gnomAD v4.1: 1 of 1,613,108 alleles (0.000062%); highest among the groups gnomAD compares: East Asian, 0.0022%; no homozygotes.

Submissions (2):

Ambry Genetics
Classification: Uncertain significance for Hereditary cancer-predisposing syndrome. Last evaluated: 2026-04-27. Review status: criteria provided, single submitter. Criteria: Ambry Variant Classification Scheme 2023. Collection method: clinical testing. Allele origin: germline.
Comment: The p.F2258L variant (also known as c.6774C>G), located in coding exon 49 of the POLE gene, results from a C to G substitution at nucleotide position 6774. The phenylalanine at codon 2258 is replaced by leucine, an amino acid with highly similar properties. This amino acid position is highly conserved in available vertebrate species. In addition, the in silico prediction for this alteration is inconclusive. Based on the available evidence, the clinical significance of this variant remains unclear.

Labcorp Genetics (formerly Invitae), Labcorp
Classification: Uncertain significance. Last evaluated: 2025-06-15. Review status: criteria provided, single submitter. Criteria: Invitae Variant Classification Sherloc (09022015). Collection method: clinical testing. Allele origin: germline.
Comment: This sequence change replaces phenylalanine, which is neutral and non-polar, with leucine, which is neutral and non-polar, at codon 2258 of the POLE protein (p.Phe2258Leu). This variant is not present in population databases (gnomAD no frequency). This variant has not been reported in the literature in individuals affected with POLE-related conditions. ClinVar contains an entry for this variant (Variation ID: 1036918). Invitae Evidence Modeling of protein sequence and biophysical properties (such as structural, functional, and spatial information, amino acid conservation, physicochemical variation, residue mobility, and thermodynamic stability) indicates that this missense variant is not expected to disrupt POLE protein function with a negative predictive value of 80%. In summary, the available evidence is currently insufficient to determine the role of this variant in disease. Therefore, it has been classified as a Variant of Uncertain Significance.

NM_006231.4(POLE):c.6774C>G (p.Phe2258Leu)

Gene: POLE (DNA polymerase epsilon, catalytic subunit; minus strand). Cytogenetic location: 12q24.33.
Variant type: single nucleotide variant.
Coding change: c.6774C>G on transcript NM_006231.4 (MANE Select); coding-DNA position 6774, C replaced by G.
Protein change: p.Phe2258Leu; replaces phenylalanine 2258 with leucine.
Molecular consequence: missense variant.
Genome position (GRCh38, 1-based): chr12:132,624,784, G>C on the plus strand (C>G on the coding strand, the complement: POLE is on the minus strand). VCF-style: chr12-132624784-G-C. GRCh37 (hg19) VCF-style: chr12-133201370-G-C.
Other names: c.6774C>G (NM_006231.2); short protein forms F2258L.
Identifiers: ClinVar variation 1036918 (VCV001036918.9), dbSNP rs1209347208, ClinGen allele CA387365836.